The following is an entry in ClinVar:

ClinVar aggregate classification (germline): Uncertain significance (1 of 4 stars; one submission).

Conditions:
Ehlers-Danlos syndrome, classic type, 1 (EDSCL1). Also called: EHLERS-DANLOS SYNDROME, GRAVIS TYPE; EHLERS-DANLOS SYNDROME, SEVERE CLASSIC TYPE; Ehlers-Danlos syndrome, type 1; Ehlers-Danlos Syndrome, Classic Type, COL5A1-Related; EDS I. Identifiers: MedGen C0268335, MONDO:0019567, OMIM 130000.
Osteogenesis imperfecta type I (OI1). Also called: OI, TYPE I; OSTEOGENESIS IMPERFECTA TARDA; OSTEOGENESIS IMPERFECTA WITH BLUE SCLERAE; Osteogenesis imperfecta type 1; Lobstein's Disease; Lobstein disease. Identifiers: Orphanet 216796, Orphanet 666, MedGen C0023931, MONDO:0008146, OMIM 166200. Disease mechanism: loss of function.

Submission:

Labcorp Genetics (formerly Invitae), Labcorp
Classification: Uncertain significance for Osteogenesis imperfecta type I; Ehlers-Danlos syndrome, classic type, 1. Last evaluated: 2024-11-19. Review status: criteria provided, single submitter. Criteria: Invitae Variant Classification Sherloc (09022015). Collection method: clinical testing. Allele origin: germline.
Comment: This sequence change replaces proline, which is neutral and non-polar, with serine, which is neutral and polar, at codon 449 of the COL1A2 protein (p.Pro449Ser). This variant is not present in population databases (gnomAD no frequency). This variant has not been reported in the literature in individuals affected with COL1A2-related conditions. Invitae Evidence Modeling of protein sequence and biophysical properties (such as structural, functional, and spatial information, amino acid conservation, physicochemical variation, residue mobility, and thermodynamic stability) indicates that this missense variant is not expected to disrupt COL1A2 protein function with a negative predictive value of 95%. In summary, the available evidence is currently insufficient to determine the role of this variant in disease. Therefore, it has been classified as a Variant of Uncertain Significance.

NM_000089.4(COL1A2):c.1345C>T (p.Pro449Ser)

Gene: COL1A2 (collagen type I alpha 2 chain; plus strand). Cytogenetic location: 7q21.3.
Variant type: single nucleotide variant.
Coding change: c.1345C>T on transcript NM_000089.4 (MANE Select); coding-DNA position 1345, C replaced by T.
Protein change: p.Pro449Ser; replaces proline 449 with serine.
Molecular consequence: missense variant.
Genome position (GRCh38, 1-based): chr7:94,411,149, C>T. VCF-style: chr7-94411149-C-T. GRCh37 (hg19) VCF-style: chr7-94040461-C-T.
Other names: short protein forms P449S.
Identifiers: ClinVar variation 3758890 (VCV003758890.2).